The following is an entry in ClinVar:

ClinVar aggregate classification (germline): Uncertain significance (1 of 4 stars; one submission).

gnomAD v4.1: 3 of 1,610,110 alleles (0.00019%); highest among the groups gnomAD compares: Non-Finnish European, 0.00017%; no homozygotes.

Submission:

Labcorp Genetics (formerly Invitae), Labcorp
Classification: Uncertain significance. Last evaluated: 2022-06-27. Review status: criteria provided, single submitter. Criteria: Invitae Variant Classification Sherloc (09022015). Collection method: clinical testing. Allele origin: germline.
Comment: In summary, the available evidence is currently insufficient to determine the role of this variant in disease. Therefore, it has been classified as a Variant of Uncertain Significance. Algorithms developed to predict the effect of missense changes on protein structure and function are either unavailable or do not agree on the potential impact of this missense change (SIFT: "Tolerated"; PolyPhen-2: "Probably Damaging"; Align-GVGD: "Class C0"). This variant has not been reported in the literature in individuals affected with HMCN1-related conditions. This variant is not present in population databases (gnomAD no frequency). This sequence change replaces isoleucine, which is neutral and non-polar, with phenylalanine, which is neutral and non-polar, at codon 2927 of the HMCN1 protein (p.Ile2927Phe).

NM_031935.3(HMCN1):c.8779A>T (p.Ile2927Phe)

Gene: HMCN1 (hemicentin 1; plus strand). Cytogenetic location: 1q31.1.
Variant type: single nucleotide variant.
Coding change: c.8779A>T on transcript NM_031935.3 (MANE Select); coding-DNA position 8779, A replaced by T.
Protein change: p.Ile2927Phe; replaces isoleucine 2927 with phenylalanine.
Molecular consequence: missense variant.
Genome position (GRCh38, 1-based): chr1:186,081,386, A>T. VCF-style: chr1-186081386-A-T. GRCh37 (hg19) VCF-style: chr1-186050518-A-T.
Other names: short protein forms I2927F.
Identifiers: ClinVar variation 2011533 (VCV002011533.4), dbSNP rs2527861288, ClinGen allele CA343915852.
Genomic context (GRCh38, chr1:186,081,386, plus strand): 5'-CAGAAAGATGGACAGCCCTTGCTAGAAGATGACCATCATAAATTTCTATCTAATGGACGA[A>T]TTCTGCAGGTAAAAGTAAAGAAAGATCTAATTTTAAAAGAGCTATTTGACTTTGCACTTT-3'
Protein context (NP_114141.2, residues 2917-2937): DHHKFLSNGR[Ile2927Phe]LQILNTQITD